The following is an entry in ClinVar:

ClinVar aggregate classification (germline): Uncertain significance (0 of 4 stars; one submission).

Conditions:
SEMA3C-related disorder. Also called: SEMA3C-related condition.

Submission:

PreventionGenetics, part of Exact Sciences
Classification: Uncertain significance for SEMA3C-related condition. Last evaluated: 2024-08-19. Review status: no assertion criteria provided. Collection method: clinical testing. Allele origin: germline.
Comment: The SEMA3C c.2183A>G variant is predicted to result in the amino acid substitution p.Lys728Arg. To our knowledge, this variant has not been reported in the literature or in a large population database, indicating this variant is rare. At this time, the clinical significance of this variant is uncertain due to the absence of conclusive functional and genetic evidence.

NM_006379.5(SEMA3C):c.2129A>G (p.Lys710Arg)

Gene: SEMA3C (semaphorin 3C; minus strand). Cytogenetic location: 7q21.11.
Variant type: single nucleotide variant.
Coding change: c.2129A>G on transcript NM_006379.5 (MANE Select); coding-DNA position 2129, A replaced by G.
Protein change: p.Lys710Arg; replaces lysine 710 with arginine.
Molecular consequence: missense variant.
Genome position (GRCh38, 1-based): chr7:80,745,021, T>C on the plus strand (A>G on the coding strand, the complement: SEMA3C is on the minus strand). VCF-style: chr7-80745021-T-C. GRCh37 (hg19) VCF-style: chr7-80374337-T-C.
Other names: c.2183A>G, p.Lys728Arg (NM_001350120.2); c.1955A>G, p.Lys652Arg (NM_001350121.2); short protein forms K652R, K710R, K728R.
Identifiers: ClinVar variation 3353814 (VCV003353814.1).